The following is an entry in ClinVar:

ClinVar aggregate classification (germline): Conflicting classifications of pathogenicity. Review status: criteria provided, conflicting classifications (1 of 4 stars). 5 submissions from 5 submitters: Likely pathogenic (3); Uncertain significance (2). Last evaluated 2025-10-21.

Conditions:
Hereditary leiomyomatosis and renal cell cancer. Also called: MULTIPLE CUTANEOUS AND UTERINE LEIOMYOMATA 1, WITH OR WITHOUT RENAL CELL CARCINOMA; Reed syndrome; Multiple cutaneous and uterine leiomyomatosis; Cutaneous leiomyomata with uterine leiomyomata; Leiomyoma, hereditary multiple, of skin; Multiple cutaneous and uterine leiomyomata. Identifiers: Orphanet 523, MedGen C1708350, MONDO:0007888, OMIM 150800, HP:0007437. Disease mechanism: loss of function.
Hereditary cancer-predisposing syndrome. Also called: Hereditary Cancer Syndrome; Tumor predisposition; Neoplastic Syndromes, Hereditary; Hereditary neoplastic syndrome. Identifiers: Orphanet 140162, MedGen C0027672, MeSH D009386, MONDO:0015356.
Fumarase deficiency (FMRD). Also called: Fumarate Hydratase Deficiency; Fumaric aciduria. Identifiers: Orphanet 24, MedGen C0342770, MONDO:0011730, OMIM 606812.

Allele frequency attached by ClinVar (database versions not stated): gnomAD exomes below 0.00001; TOPMed below 0.00001.
gnomAD v4.1: 5 of 1,613,482 alleles (0.00031%); highest among the groups gnomAD compares: Non-Finnish European, 0.00042%; no homozygotes.

Submissions (5):

Ambry Genetics
Classification: Uncertain significance for Hereditary cancer-predisposing syndrome. Last evaluated: 2025-10-21. Review status: criteria provided, single submitter. Criteria: Ambry Variant Classification Scheme 2023. Collection method: clinical testing. Allele origin: germline.
Comment: The c.1390+2T>C intronic variant results from a T to C substitution two nucleotides after coding exon 9 in the FH gene. This nucleotide position is highly conserved in available vertebrate species. In silico splice site analysis predicts that this alteration will not have any significant effect on splicing. RNA studies have demonstrated that this alteration does not result in abnormal splicing in the set of samples tested (Ambry internal data). Alterations that disrupt the canonical splice site are expected to cause aberrant splicing, resulting in an abnormal protein or a transcript that is subject to nonsense-mediated mRNA decay; however, +2T>C alterations are capable of generating wild-type transcripts in some genomic contexts and should be interpreted with caution (Lin JH et al. Hum Mutat. 2019 10;40:1856-1873). Based on the available evidence, the clinical significance of this alteration remains unclear.

Labcorp Genetics (formerly Invitae), Labcorp
Classification: Uncertain significance. Last evaluated: 2025-03-23. Review status: criteria provided, single submitter. Criteria: Invitae Variant Classification Sherloc (09022015). Collection method: clinical testing. Allele origin: germline.
Comment: This sequence change affects a donor splice site in intron 9 of the FH gene. This variant is not present in population databases (gnomAD no frequency). This variant has not been reported in the literature in individuals affected with FH-related conditions. ClinVar contains an entry for this variant (Variation ID: 579514). Variants that disrupt the consensus splice site are a relatively common cause of aberrant splicing (PMID: 17576681, 9536098). RNA analysis performed to evaluate the impact of disruption of this splice site on mRNA splicing indicates it does not significantly alter splicing (internal data). In summary, the available evidence is currently insufficient to determine the role of this variant in disease. Therefore, it has been classified as a Variant of Uncertain Significance.

Natera, Inc.
Classification: Likely pathogenic for Fumarase Deficiency. Last evaluated: 2024-09-04. Review status: criteria provided, single submitter. Criteria: Natera Variant Classification Schema (03/2026). Collection method: clinical testing. Allele origin: germline.
Comment: The c.1390+2T>C variant in FH is a canonical splice donor site variant predicted to affect pre-mRNA splicing, which may result in an abnormal transcript and altered protein product. This variant is expected to result in nonsense mediated decay, truncation, or a dysfunctional protein product. This variant is rare in the general population with a frequency below the threshold expected for the associated phenotype(s). Given the available evidence, this variant is classified as Likely Pathogenic.

Myriad Genetics, Inc.
Classification: Likely pathogenic for Hereditary leiomyomatosis and renal cell cancer. Last evaluated: 2023-07-05. Review status: criteria provided, single submitter. Criteria: Myriad Autosomal Dominant, Autosomal Recessive and X-Linked Classification Criteria (2023). Collection method: clinical testing. Allele origin: unknown.
Comment: This variant is considered likely pathogenic. This variant occurs within a consensus splice junction and is predicted to result in abnormal mRNA splicing of either an out-of-frame exon or an in-frame exon necessary for protein stability and/or normal function.

Baylor Genetics
Classification: Likely pathogenic for Fumarase deficiency. Last evaluated: 2023-03-02. Review status: criteria provided, single submitter. Criteria: ACMG Guidelines, 2015. Collection method: clinical testing. Allele origin: unknown.

Literature cited by the submitters: PubMed 17576681 (cited by Labcorp Genetics (formerly Invitae), Labcorp); PubMed 9536098 (cited by Labcorp Genetics (formerly Invitae), Labcorp).

NM_000143.4(FH):c.1390+2T>C

Gene: FH (fumarate hydratase; minus strand). Cytogenetic location: 1q43.
Variant type: single nucleotide variant.
Coding change: c.1390+2T>C on transcript NM_000143.4 (MANE Select); the canonical splice donor site of the intron after coding-DNA position 1390, T replaced by C.
Molecular consequence: splice donor variant.
Genome position (GRCh38, 1-based): chr1:241,500,435, A>G on the plus strand (T>C on the coding strand, the complement: FH is on the minus strand). VCF-style: chr1-241500435-A-G. GRCh37 (hg19) VCF-style: chr1-241663735-A-G.
Identifiers: ClinVar variation 579514 (VCV000579514.11), dbSNP rs1558396285, ClinGen allele CA345436256.